The following is an entry in ClinVar:

ClinVar aggregate classification (germline): Pathogenic (1 of 4 stars; one submission).

Submission:

Labcorp Genetics (formerly Invitae), Labcorp
Classification: Pathogenic. Last evaluated: 2023-07-18. Review status: criteria provided, single submitter. Criteria: Invitae Variant Classification Sherloc (09022015). Collection method: clinical testing. Allele origin: germline.
Comment: This sequence change creates a premature translational stop signal (p.Arg147Glyfs*6) in the CEP250 gene. It is expected to result in an absent or disrupted protein product. Loss-of-function variants in CEP250 are known to be pathogenic (PMID: 24780881, 29718797). This variant is not present in population databases (gnomAD no frequency). This variant has not been reported in the literature in individuals affected with CEP250-related conditions. For these reasons, this variant has been classified as Pathogenic.

Literature cited by the submitters: PubMed 24780881; PubMed 29718797.

NM_007186.6(CEP250):c.439del (p.Arg147fs)

Gene: CEP250 (centrosomal protein 250; plus strand). Cytogenetic location: 20q11.22.
Variant type: Deletion.
Coding change: c.439del on transcript NM_007186.6 (MANE Select); coding-DNA position 439, one base deleted (C; older notation c.439delC).
Protein change: p.Arg147fs; shifts the reading frame from arginine 147.
Molecular consequence: frameshift variant. On other transcripts: 5 prime UTR variant (1).
Genome position (GRCh38, 1-based): chr20:35,466,151, C deleted; the last of 2 consecutive C bases (chr20:35,466,150-35,466,151); deleting either gives the same sequence. VCF-style (leftmost placement, unchanged base first): chr20-35466149-GC-G. GRCh37 (hg19) VCF-style: chr20-34053974-GC-G.
Other names: c.-1461del (NM_001318219.1); short protein forms R147fs.
Identifiers: ClinVar variation 2733217 (VCV002733217.3), dbSNP rs2515583042, ClinGen allele CA2697547371.